The following is an entry in ClinVar:

ClinVar aggregate classification (germline): Benign. Review status: criteria provided, multiple submitters, no conflicts (2 of 4 stars). 4 submissions from 4 submitters: Benign (3). 1 of the submissions does not count toward it. Last evaluated 2026-02-02.

Conditions:
APOLIPOPROTEIN A-IV POLYMORPHISM, APOA4*1/APOA4*2.

Allele frequency attached by ClinVar (database versions not stated): 1000 Genomes Project 30x 0.02405; gnomAD 0.05181 and 0.05327; ExAC 0.05244; gnomAD exomes 0.05228 and 0.07560; 1000 Genomes Project 0.02376; TOPMed 0.05310.
gnomAD v4.1: 117,779 of 1,614,064 alleles (7.3%); highest among the groups gnomAD compares: Non-Finnish European, 8.7%; 4,952 homozygotes.

Submissions (4):

Labcorp Genetics (formerly Invitae), Labcorp
Classification: Benign. Last evaluated: 2026-02-02. Review status: criteria provided, single submitter. Criteria: Invitae Variant Classification Sherloc (09022015). Collection method: clinical testing. Allele origin: germline.

GeneDx
Classification: Benign. Last evaluated: 2021-05-04. Review status: criteria provided, single submitter. Criteria: GeneDx Variant Classification Process June 2021. Collection method: clinical testing. Allele origin: germline. Affected: yes.
Comment: This variant is associated with the following publications: (PMID: 9714133, 20117098, 1349197)

Breakthrough Genomics
Classification: Benign. Review status: criteria provided, single submitter. Criteria: ACMG Guidelines, 2015. Collection method: not provided. Allele origin: germline. Inheritance: Unknown mechanism. Affected: yes.

OMIM
Classification: Pathogenic for APOLIPOPROTEIN A-IV POLYMORPHISM, APOA4*1/APOA4*2. Last evaluated: 1992-05-01. Review status: no assertion criteria provided. Collection method: literature only. Allele origin: germline. Not counted in ClinVar's aggregate classification.

Literature cited by the submitters: PubMed 2351649 (cited by OMIM); PubMed 1349197 (cited by OMIM).

NM_000482.4(APOA4):c.1140G>T (p.Gln380His)

Gene: APOA4 (apolipoprotein A4; minus strand). Cytogenetic location: 11q23.3.
Variant type: single nucleotide variant.
Coding change: c.1140G>T on transcript NM_000482.4 (MANE Select); coding-DNA position 1140, G replaced by T.
Protein change: p.Gln380His; replaces glutamine 380 with histidine.
Molecular consequence: missense variant.
Genome position (GRCh38, 1-based): chr11:116,820,918, C>A on the plus strand (G>T on the coding strand, the complement: APOA4 is on the minus strand). VCF-style: chr11-116820918-C-A. GRCh37 (hg19) VCF-style: chr11-116691634-C-A.
Other names: Q360H; short protein forms Q380H.
Identifiers: ClinVar variation 17905 (VCV000017905.11), dbSNP rs5110, ClinGen allele CA127533.